The following is an entry in ClinVar:

ClinVar aggregate classification (germline): Uncertain significance (1 of 4 stars; one submission).

Conditions:
Cone-rod dystrophy 13 (CORD13). Identifiers: Orphanet 1872, MedGen C2750720, MONDO:0011987, OMIM 608194.
Leber congenital amaurosis 6 (LCA6). Identifiers: Orphanet 65, MedGen C1854260, MONDO:0013446, OMIM 613826.

Allele frequency attached by ClinVar (database versions not stated): gnomAD exomes below 0.00001 and 0.00001; gnomAD 0.00001; TOPMed 0.00002.
gnomAD v4.1: 3 of 1,613,598 alleles (0.00019%); highest among the groups gnomAD compares: Admixed American, 0.005%; no homozygotes.

Submission:

Labcorp Genetics (formerly Invitae), Labcorp
Classification: Uncertain significance for Leber congenital amaurosis 6; Cone-rod dystrophy 13. Last evaluated: 2021-11-10. Review status: criteria provided, single submitter. Criteria: Invitae Variant Classification Sherloc (09022015). Collection method: clinical testing. Allele origin: germline.
Comment: In summary, the available evidence is currently insufficient to determine the role of this variant in disease. Therefore, it has been classified as a Variant of Uncertain Significance. Algorithms developed to predict the effect of missense changes on protein structure and function are either unavailable or do not agree on the potential impact of this missense change (SIFT: "Tolerated"; PolyPhen-2: "Possibly Damaging"; Align-GVGD: "Class C0"). This variant has not been reported in the literature in individuals affected with RPGRIP1-related conditions. This variant is present in population databases (no rsID available, gnomAD 0.006%). This sequence change replaces glutamic acid, which is acidic and polar, with glycine, which is neutral and non-polar, at codon 996 of the RPGRIP1 protein (p.Glu996Gly).

NM_020366.4(RPGRIP1):c.2987A>G (p.Glu996Gly)

Gene: RPGRIP1 (RPGR interacting protein 1; plus strand). Cytogenetic location: 14q11.2.
Variant type: single nucleotide variant.
Coding change: c.2987A>G on transcript NM_020366.4 (MANE Select); coding-DNA position 2987, A replaced by G.
Protein change: p.Glu996Gly; replaces glutamic acid 996 with glycine.
Molecular consequence: missense variant.
Genome position (GRCh38, 1-based): chr14:21,328,515, A>G. VCF-style: chr14-21328515-A-G. GRCh37 (hg19) VCF-style: chr14-21796674-A-G.
Other names: c.965A>G, p.Glu322Gly (NM_001377523.1, NM_001377950.1); c.1913A>G, p.Glu638Gly (NM_001377948.1); c.1073A>G, p.Glu358Gly (NM_001377949.1); c.467A>G, p.Glu156Gly (NM_001377951.1); short protein forms E322G, E996G, E156G, E358G, E638G.
Identifiers: ClinVar variation 1436277 (VCV001436277.5), dbSNP rs1254110768, ClinGen allele CA388871183.